The following is an entry in ClinVar:

NM_145068.4(TRPV3):c.415C>T (p.Leu139=)

Gene: TRPV3 (transient receptor potential cation channel subfamily V member 3; minus strand). Cytogenetic location: 17p13.2.
Variant type: single nucleotide variant.
Coding change: c.415C>T on transcript NM_145068.4 (MANE Select); coding-DNA position 415, C replaced by T.
Protein change: p.Leu139=; no amino-acid change (leucine 139 retained).
Molecular consequence: synonymous variant.
Genome position (GRCh38, 1-based): chr17:3,543,525, G>A on the plus strand (C>T on the coding strand, the complement: TRPV3 is on the minus strand). VCF-style: chr17-3543525-G-A. GRCh37 (hg19) VCF-style: chr17-3446819-G-A.
Other names: c.415C>T, p.Leu139= (NM_001258205.2).
Identifiers: ClinVar variation 784696 (VCV000784696.12), dbSNP rs150701364, ClinGen allele CA8289860.

ClinVar aggregate classification (germline): Benign/Likely benign. Review status: criteria provided, multiple submitters, no conflicts (2 of 4 stars). 2 submissions from 2 submitters: Benign (1); Likely benign (1). Last evaluated 2025-04-19.

Conditions:
Isolated focal non-epidermolytic palmoplantar keratoderma. Also called: Palmoplantar keratoderma, nonepidermolytic, focal 2. Identifiers: Orphanet 448264, MedGen C4225339, MONDO:0014622, OMIM 616400.

Allele frequency attached by ClinVar (database versions not stated): 1000 Genomes Project 30x 0.00031; ESP Exome Variant Server 0.00038; 1000 Genomes Project 0.00040; ExAC 0.00040; gnomAD exomes 0.00043 and 0.00063; gnomAD 0.00062 and 0.00063; TOPMed 0.00065.
gnomAD v4.1: 1,011 of 1,613,978 alleles (0.063%); highest among the groups gnomAD compares: Admixed American, 0.085%; 2 homozygotes.

Submissions (2):

Labcorp Genetics (formerly Invitae), Labcorp
Classification: Likely benign. Last evaluated: 2025-04-19. Review status: criteria provided, single submitter. Criteria: Invitae Variant Classification Sherloc (09022015). Collection method: clinical testing. Allele origin: germline.

Illumina Laboratory Services, Illumina
Classification: Benign for Isolated focal non-epidermolytic palmoplantar keratoderma. Last evaluated: 2018-01-12. Review status: criteria provided, single submitter. Criteria: ICSL Variant Classification Criteria 13 December 2019. Collection method: clinical testing. Allele origin: germline.
Comment: This variant was observed in the ICSL laboratory as part of a predisposition screen in an ostensibly healthy population. It had not been previously curated by ICSL or reported in the Human Gene Mutation Database (HGMD: prior to June 1st, 2018), and was therefore a candidate for classification through an automated scoring system. Utilizing variant allele frequency, disease prevalence and penetrance estimates, and inheritance mode, an automated score was calculated to assess if this variant is too frequent to cause the disease. Based on the score and internal cut-off values, a variant classified as benign is not then subjected to further curation. The score for this variant resulted in a classification of benign for this disease.